The following is an entry in ClinVar:

ClinVar aggregate classification (germline): Uncertain significance (1 of 4 stars; one submission).

Submission:

GeneDx
Classification: Uncertain significance. Last evaluated: 2026-02-12. Review status: criteria provided, single submitter. Criteria: GeneDx Variant Classification Process June 2021. Collection method: clinical testing. Allele origin: germline.
Comment: Not observed at significant frequency in large population cohorts (gnomAD); In silico analysis supports that this missense variant has a deleterious effect on protein structure/function; Has not been previously published as pathogenic or benign to our knowledge

NM_006133.3(DAGLA):c.684C>G (p.Asp228Glu)

Gene: DAGLA (diacylglycerol lipase alpha; plus strand). Cytogenetic location: 11q12.2.
Variant type: single nucleotide variant.
Coding change: c.684C>G on transcript NM_006133.3 (MANE Select); coding-DNA position 684, C replaced by G.
Protein change: p.Asp228Glu; replaces aspartic acid 228 with glutamic acid.
Molecular consequence: missense variant.
Genome position (GRCh38, 1-based): chr11:61,728,200, C>G. VCF-style: chr11-61728200-C-G. GRCh37 (hg19) VCF-style: chr11-61495672-C-G.
Other names: short protein forms D228E.
Identifiers: ClinVar variation 4976451 (VCV004976451.1).